The following is an entry in ClinVar:

ClinVar aggregate classification (germline): Benign/Likely benign. Review status: criteria provided, multiple submitters, no conflicts (2 of 4 stars). 12 submissions from 12 submitters: Benign (8); Likely benign (3). 1 of the submissions does not count toward it. Last evaluated 2026-09-01.

Conditions:
Schimke immuno-osseous dysplasia (SIOD). Also called: Schimke Immunoosseous Dysplasia. Identifiers: Orphanet 1830, MedGen C0877024, MONDO:0009458, OMIM 242900.
Focal segmental glomerulosclerosis (FSGS). Also called: Glomerulosclerosis, focal; Focal sclerosis with hyalinosis. Identifiers: MedGen C0017668, MONDO:0100313, HP:0000097. Disease mechanism: loss of function.

Allele frequency attached by ClinVar (database versions not stated): 1000 Genomes Project 0.00639; 1000 Genomes Project 30x 0.00703; gnomAD 0.00906 and 0.00918; ESP Exome Variant Server 0.00938; ExAC 0.00962; TOPMed 0.00968; gnomAD exomes 0.00969 and 0.01169.
gnomAD v4.1: 18,488 of 1,613,408 alleles (1.1%); highest among the groups gnomAD compares: Middle Eastern, 1.6%; 147 homozygotes.

Submissions (12):

CeGaT Center for Human Genetics Tuebingen
Classification: Benign. Last evaluated: 2026-09-01. Review status: criteria provided, single submitter. Criteria: CeGaT Center For Human Genetics Tuebingen Variant Classification Criteria Version 2. Collection method: clinical testing. Allele origin: germline. Affected: yes. Observed: 34 variant alleles.
Comment: SMARCAL1: BP4, BP7, BS1, BS2

Labcorp Genetics (formerly Invitae), Labcorp
Classification: Benign for Schimke immuno-osseous dysplasia. Last evaluated: 2026-02-04. Review status: criteria provided, single submitter. Criteria: Invitae Variant Classification Sherloc (09022015). Collection method: clinical testing. Allele origin: germline.

Blueprint Genetics
Classification: Likely benign. Last evaluated: 2024-11-26. Review status: criteria provided, single submitter. Criteria: ACMG Guidelines, 2015. Collection method: clinical testing. Allele origin: germline.

Mayo Clinic Laboratories, Mayo Clinic
Classification: Benign. Last evaluated: 2024-08-29. Review status: criteria provided, single submitter. Criteria: ACMG Guidelines, 2015. Collection method: clinical testing. Allele origin: germline. Observed: 4 variant alleles.
Comment: BS1, BS2, BP4, BP7

ARUP Laboratories, Molecular Genetics and Genomics, ARUP Laboratories
Classification: Benign for Schimke immuno-osseous dysplasia. Last evaluated: 2023-10-14. Review status: criteria provided, single submitter. Criteria: ARUP Molecular Germline Variant Investigation Process 2024. Collection method: clinical testing. Allele origin: germline.

Genome-Nilou Lab
Classification: Benign for Schimke immuno-osseous dysplasia. Last evaluated: 2021-06-10. Review status: criteria provided, single submitter. Criteria: ACMG Guidelines, 2015. Collection method: clinical testing. Allele origin: germline. Affected: no.

GeneDx
Classification: Likely benign. Last evaluated: 2021-02-09. Review status: criteria provided, single submitter. Criteria: GeneDx Variant Classification Process June 2021. Collection method: clinical testing. Allele origin: germline. Affected: yes.

Genome Diagnostics Laboratory, The Hospital for Sick Children
Classification: Benign for Focal segmental glomerulosclerosis. Last evaluated: 2019-12-01. Review status: criteria provided, single submitter. Criteria: ACMG Guidelines, 2015. Collection method: clinical testing. Allele origin: germline.

Illumina Laboratory Services, Illumina
Classification: Benign for Schimke immuno-osseous dysplasia. Last evaluated: 2018-01-12. Review status: criteria provided, single submitter. Criteria: ICSL Variant Classification Criteria 13 December 2019. Collection method: clinical testing. Allele origin: germline.
Comment: This variant was observed in the ICSL laboratory as part of a predisposition screen in an ostensibly healthy population. It had not been previously curated by ICSL or reported in the Human Gene Mutation Database (HGMD: prior to June 1st, 2018), and was therefore a candidate for classification through an automated scoring system. Utilizing variant allele frequency, disease prevalence and penetrance estimates, and inheritance mode, an automated score was calculated to assess if this variant is too frequent to cause the disease. Based on the score and internal cut-off values, a variant classified as benign is not then subjected to further curation. The score for this variant resulted in a classification of benign for this disease.

Breakthrough Genomics
Classification: Likely benign. Review status: criteria provided, single submitter. Criteria: ACMG Guidelines, 2015. Collection method: not provided. Allele origin: germline. Inheritance: Autosomal recessive inheritance. Affected: yes.

PreventionGenetics, part of Exact Sciences
Classification: Benign. Review status: criteria provided, single submitter. Criteria: ACMG Guidelines, 2015. Collection method: clinical testing. Allele origin: germline.

Natera, Inc.
Classification: Benign for Schimke immuno-osseous dysplasia. Last evaluated: 2020-09-16. Review status: no assertion criteria provided. Collection method: clinical testing. Allele origin: germline. Not counted in ClinVar's aggregate classification.

NM_014140.4(SMARCAL1):c.423T>C (p.Tyr141=)

Gene: SMARCAL1 (SNF2 related chromatin remodeling annealing helicase 1; plus strand). Cytogenetic location: 2q35.
Variant type: single nucleotide variant.
Coding change: c.423T>C on transcript NM_014140.4 (MANE Select); coding-DNA position 423, T replaced by C.
Protein change: p.Tyr141=; no amino-acid change (tyrosine 141 retained).
Molecular consequence: synonymous variant.
Genome position (GRCh38, 1-based): chr2:216,415,127, T>C. VCF-style: chr2-216415127-T-C. GRCh37 (hg19) VCF-style: chr2-217279850-T-C.
Other names: p.Tyr141=; c.423T>C, p.Tyr141= (NM_001127207.2).
Identifiers: ClinVar variation 260344 (VCV000260344.56), dbSNP rs35907255, ClinGen allele CA2097590.